The following is an entry in ClinVar:

ClinVar aggregate classification (germline): Benign. Review status: criteria provided, multiple submitters, no conflicts (2 of 4 stars). 3 submissions from 3 submitters: Benign (3). Last evaluated 2019-12-31.

Conditions:
Glucocorticoid deficiency 2 (GCCD2). Also called: FAMILIAL GLUCOCORTICOID DEFICIENCY 2. Identifiers: Orphanet 361, MedGen C4049714, MONDO:0011826, OMIM 607398.

Allele frequency attached by ClinVar (database versions not stated): 1000 Genomes Project 0.01577; gnomAD 0.01600; 1000 Genomes Project 30x 0.01640; TOPMed 0.01698; ESP Exome Variant Server 0.01707.
gnomAD v4.1: 4,513 of 1,613,984 alleles (0.28%); highest among the groups gnomAD compares: African/African-American, 5.4%; 140 homozygotes.

Submissions (3):

Labcorp Genetics (formerly Invitae), Labcorp
Classification: Benign. Last evaluated: 2019-12-31. Review status: criteria provided, single submitter. Criteria: Invitae Variant Classification Sherloc (09022015). Collection method: clinical testing. Allele origin: germline.

Illumina Laboratory Services, Illumina
Classification: Benign for Glucocorticoid deficiency 2. Last evaluated: 2018-01-13. Review status: criteria provided, single submitter. Criteria: ICSL Variant Classification Criteria 13 December 2019. Collection method: clinical testing. Allele origin: germline.
Comment: This variant was observed in the ICSL laboratory as part of a predisposition screen in an ostensibly healthy population. It had not been previously curated by ICSL or reported in the Human Gene Mutation Database (HGMD: prior to June 1st, 2018), and was therefore a candidate for classification through an automated scoring system. Utilizing variant allele frequency, disease prevalence and penetrance estimates, and inheritance mode, an automated score was calculated to assess if this variant is too frequent to cause the disease. Based on the score and internal cut-off values, a variant classified as benign is not then subjected to further curation. The score for this variant resulted in a classification of benign for this disease.

Breakthrough Genomics
Classification: Benign. Review status: criteria provided, single submitter. Criteria: ACMG Guidelines, 2015. Collection method: not provided. Allele origin: germline. Inheritance: Autosomal recessive inheritance. Affected: yes.

NM_001379228.1(MRAP):c.234C>G (p.Cys78Trp)

Genes: URB1 (URB1 ribosome biogenesis factor; minus strand), MRAP (melanocortin 2 receptor accessory protein; plus strand). Cytogenetic location: 21q22.11.
Variant type: single nucleotide variant.
Coding change: c.234C>G on transcript NM_001379228.1 (MANE Select); coding-DNA position 234, C replaced by G.
Protein change: p.Cys78Trp; replaces cysteine 78 with tryptophan.
Molecular consequence: missense variant. On other transcripts: 3 prime UTR variant (1), intron variant (1).
Genome position (GRCh38, 1-based): chr21:32,311,711, C>G. VCF-style: chr21-32311711-C-G. GRCh37 (hg19) VCF-style: chr21-33684022-C-G.
Other names: c.57C>G, p.Cys19Trp (NM_001285394.2); c.234C>G, p.Cys78Trp (NM_178817.4); c.*3207G>C (NM_014825.3); c.207-2840C>G (NM_206898.2); short protein forms C78W, C19W.
Identifiers: ClinVar variation 339681 (VCV000339681.10), dbSNP rs79126334, ClinGen allele CA10001005.